The following is an entry in ClinVar:

ClinVar aggregate classification (germline): Conflicting classifications of pathogenicity. Review status: criteria provided, conflicting classifications (1 of 4 stars). 3 submissions from 3 submitters: Pathogenic (1); Uncertain significance (1). 1 of the submissions does not count toward it. Last evaluated 2024-05-31.

Conditions:
Charcot-Marie-Tooth disease. Also called: Charcot-Marie-Tooth Hereditary Neuropathy; Charcot-Marie-Tooth Neuropathy. Identifiers: Orphanet 166, MedGen C0007959, MONDO:0015626.
Charcot-Marie-Tooth disease type 2E (CMT2E). Also called: CHARCOT-MARIE-TOOTH NEUROPATHY, TYPE 2E; CHARCOT-MARIE-TOOTH DISEASE, AXONAL, TYPE 2E. Identifiers: Orphanet 99939, MedGen C1843225, MONDO:0011894, OMIM 607684.

Submissions (3):

Labcorp Genetics (formerly Invitae), Labcorp
Classification: Pathogenic for Charcot-Marie-Tooth disease type 2E. Last evaluated: 2024-05-31. Review status: criteria provided, single submitter. Criteria: Invitae Variant Classification Sherloc (09022015). Collection method: clinical testing. Allele origin: germline.
Comment: This sequence change replaces proline, which is neutral and non-polar, with threonine, which is neutral and polar, at codon 8 of the NEFL protein (p.Pro8Thr). This variant is not present in population databases (gnomAD no frequency). This missense change has been observed in individual(s) with clinical features of Charcot-Marie-Tooth disease (Invitae). In at least one individual the variant was observed to be de novo. ClinVar contains an entry for this variant (Variation ID: 287020). Advanced modeling of protein sequence and biophysical properties (such as structural, functional, and spatial information, amino acid conservation, physicochemical variation, residue mobility, and thermodynamic stability) has been performed at Invitae for this missense variant, however the output from this modeling did not meet the statistical confidence thresholds required to predict the impact of this variant on NEFL protein function. This variant disrupts the p.Pro8 amino acid residue in NEFL. Other variant(s) that disrupt this residue have been determined to be pathogenic (PMID: 11220745, 12566280, 17620486, 22155564, 23618875, 28501821). This suggests that this residue is clinically significant, and that variants that disrupt this residue are likely to be disease-causing. For these reasons, this variant has been classified as Pathogenic.

Eurofins Ntd Llc (ga)
Classification: Uncertain significance. Last evaluated: 2016-04-12. Review status: criteria provided, single submitter. Criteria: EGL Classification Definitions 2015. Collection method: clinical testing. Allele origin: germline. Observed: 1 variant allele, 1 heterozygote.

Inherited Neuropathy Consortium
Classification: Uncertain significance for Charcot-Marie-Tooth disease. Review status: no assertion criteria provided. Collection method: literature only. Allele origin: germline. Affected: yes. Not counted in ClinVar's aggregate classification.

Literature cited by the submitters: PubMed 11220745 (cited by Labcorp Genetics (formerly Invitae), Labcorp and Inherited Neuropathy Consortium); PubMed 12566280 (cited by Labcorp Genetics (formerly Invitae), Labcorp); PubMed 17620486 (cited by Labcorp Genetics (formerly Invitae), Labcorp); PubMed 22155564 (cited by Labcorp Genetics (formerly Invitae), Labcorp); PubMed 23618875 (cited by Labcorp Genetics (formerly Invitae), Labcorp); PubMed 28501821 (cited by Labcorp Genetics (formerly Invitae), Labcorp).

NM_006158.5(NEFL):c.22C>A (p.Pro8Thr)

Gene: NEFL (neurofilament light chain; minus strand). Cytogenetic location: 8p21.2.
Variant type: single nucleotide variant.
Coding change: c.22C>A on transcript NM_006158.5 (MANE Select); coding-DNA position 22, C replaced by A.
Protein change: p.Pro8Thr; replaces proline 8 with threonine.
Molecular consequence: missense variant.
Genome position (GRCh38, 1-based): chr8:24,956,494, G>T on the plus strand (C>A on the coding strand, the complement: NEFL is on the minus strand). VCF-style: chr8-24956494-G-T. GRCh37 (hg19) VCF-style: chr8-24814008-G-T.
Other names: short protein forms P8T.
Identifiers: ClinVar variation 287020 (VCV000287020.12), dbSNP rs886043551, ClinGen allele CA10605648.